The following is an entry in ClinVar:

ClinVar aggregate classification (germline): Uncertain significance (1 of 4 stars; one submission).

Allele frequency attached by ClinVar (database versions not stated): TOPMed 0.00002; ExAC 0.00003; gnomAD 0.00003; gnomAD exomes 0.00004.
gnomAD v4.1: 69 of 1,613,650 alleles (0.0043%); highest among the groups gnomAD compares: Non-Finnish European, 0.0057%; 1 homozygote.

Submission:

Labcorp Genetics (formerly Invitae), Labcorp
Classification: Uncertain significance. Last evaluated: 2022-02-11. Review status: criteria provided, single submitter. Criteria: Invitae Variant Classification Sherloc (09022015). Collection method: clinical testing. Allele origin: germline.
Comment: This sequence change falls in intron 1 of the NANS gene. It does not directly change the encoded amino acid sequence of the NANS protein. This variant is present in population databases (rs759810304, gnomAD 0.004%). This variant has not been reported in the literature in individuals affected with NANS-related conditions. Algorithms developed to predict the effect of sequence changes on RNA splicing suggest that this variant may disrupt the consensus splice site. In summary, the available evidence is currently insufficient to determine the role of this variant in disease. Therefore, it has been classified as a Variant of Uncertain Significance.

NM_018946.4(NANS):c.133-5T>G

Genes: NANS (N-acetylneuraminate synthase; plus strand), TRIM14 (tripartite motif containing 14; minus strand). Cytogenetic location: 9q22.33.
Variant type: single nucleotide variant.
Coding change: c.133-5T>G on transcript NM_018946.4 (MANE Select); 5 bases into the intron before coding-DNA position 133, T replaced by G.
Molecular consequence: intron variant.
Genome position (GRCh38, 1-based): chr9:98,060,777, T>G. VCF-style: chr9-98060777-T-G. GRCh37 (hg19) VCF-style: chr9-100823059-T-G.
Identifiers: ClinVar variation 1978891 (VCV001978891.4), dbSNP rs759810304, ClinGen allele CA5150194.